The following is an entry in ClinVar:

ClinVar aggregate classification (germline): Uncertain significance. Review status: criteria provided, multiple submitters, no conflicts (2 of 4 stars). 2 submissions from 2 submitters: Uncertain significance (2). Last evaluated 2025-09-25.

Conditions:
Inborn genetic diseases. Identifiers: MedGen C0950123, MeSH D030342.

Submissions (2):

Dasa
Classification: Uncertain significance. Last evaluated: 2025-09-25. Review status: criteria provided, single submitter. Criteria: DASA Assertion Criteria. Collection method: clinical testing. Allele origin: germline.
Comment: NM_001128840.3(CACNA1D):c.991A>G (p.Thr331Ala) is a missense variant that results in the substitution of threonine with alanine. This variant is absent from population databases. Computational prediction algorithms are consistent with a deleterious effect. The currently available literature and clinical evidence are not sufficient to establish a definitive association between this variant and the reported condition. Therefore, this variant is classified as a variant of uncertain significance.

Ambry Genetics
Classification: Uncertain significance for Inborn genetic diseases. Last evaluated: 2024-12-11. Review status: criteria provided, single submitter. Criteria: Ambry Variant Classification Scheme 2023. Collection method: clinical testing. Allele origin: germline.

NM_001128840.3(CACNA1D):c.991A>G (p.Thr331Ala)

Gene: CACNA1D (calcium voltage-gated channel subunit alpha1 D; plus strand). Cytogenetic location: 3p21.1.
Variant type: single nucleotide variant.
Coding change: c.991A>G on transcript NM_001128840.3 (MANE Select); coding-DNA position 991, A replaced by G.
Protein change: p.Thr331Ala; replaces threonine 331 with alanine.
Molecular consequence: missense variant.
Genome position (GRCh38, 1-based): chr3:53,666,410, A>G. VCF-style: chr3-53666410-A-G. GRCh37 (hg19) VCF-style: chr3-53700437-A-G.
Other names: c.991A>G, p.Thr331Ala (NM_000720.4, NM_001128839.3); short protein forms T331A.
Identifiers: ClinVar variation 3826612 (VCV003826612.3).
Genomic context (GRCh38, chr3:53,666,410, plus strand): 5'-GAAGAGGACCCAGCTCCATGTGCGTTCTCAGGGAATGGACGCCAGTGTACTGCCAATGGC[A>G]CGGAATGTAGGAGTGGCTGGGTTGGCCCGAACGGAGGCATCACCAACTTTGATAACTTTG-3'
Protein context (NP_001122312.1, residues 321-341): GNGRQCTANG[Thr331Ala]ECRSGWVGPN